The following is an entry in ClinVar:

ClinVar aggregate classification (germline): Uncertain significance (1 of 4 stars; one submission).

Conditions:
Autoimmune lymphoproliferative syndrome type 2A (ALPS2A). Also called: Autoimmune lymphoproliferative syndrome type 2; CASP10-Related Autoimmune Lymphoproliferative Syndrome; AUTOIMMUNE LYMPHOPROLIFERATIVE SYNDROME, TYPE IIA. Identifiers: Orphanet 3261, MedGen C1858968, MONDO:0011383, OMIM 603909.

Submission:

Labcorp Genetics (formerly Invitae), Labcorp
Classification: Uncertain significance for Autoimmune lymphoproliferative syndrome type 2A. Last evaluated: 2023-10-04. Review status: criteria provided, single submitter. Criteria: Invitae Variant Classification Sherloc (09022015). Collection method: clinical testing. Allele origin: germline.
Comment: This sequence change replaces leucine, which is neutral and non-polar, with proline, which is neutral and non-polar, at codon 83 of the CASP10 protein (p.Leu83Pro). This variant is not present in population databases (gnomAD no frequency). This variant has not been reported in the literature in individuals affected with CASP10-related conditions. Advanced modeling of protein sequence and biophysical properties (such as structural, functional, and spatial information, amino acid conservation, physicochemical variation, residue mobility, and thermodynamic stability) performed at Invitae indicates that this missense variant is expected to disrupt CASP10 protein function. In summary, the available evidence is currently insufficient to determine the role of this variant in disease. Therefore, it has been classified as a Variant of Uncertain Significance.

NM_032977.4(CASP10):c.248T>C (p.Leu83Pro)

Gene: CASP10 (caspase 10; plus strand). Cytogenetic location: 2q33.1.
Variant type: single nucleotide variant.
Coding change: c.248T>C on transcript NM_032977.4 (MANE Select); coding-DNA position 248, T replaced by C.
Protein change: p.Leu83Pro; replaces leucine 83 with proline.
Molecular consequence: missense variant.
Genome position (GRCh38, 1-based): chr2:201,186,025, T>C. VCF-style: chr2-201186025-T-C. GRCh37 (hg19) VCF-style: chr2-202050748-T-C.
Other names: c.248T>C, p.Leu83Pro (NM_001206524.2, NM_001206542.2, NM_001230.5 and 3 more transcripts); short protein forms L83P.
Identifiers: ClinVar variation 2926874 (VCV002926874.3), dbSNP rs2469360695, ClinGen allele CA350277905.